The following is an entry in ClinVar:

ClinVar aggregate classification (germline): Uncertain significance (1 of 4 stars; one submission).

Submission:

CeGaT Center for Human Genetics Tuebingen
Classification: Uncertain significance. Last evaluated: 2023-04-01. Review status: criteria provided, single submitter. Criteria: CeGaT Center For Human Genetics Tuebingen Variant Classification Criteria Version 2. Collection method: clinical testing. Allele origin: germline. Affected: yes. Observed: 1 variant allele.
Comment: SETD1A: PM2, PP3

NM_014712.3(SETD1A):c.1474A>G (p.Ile492Val)

Gene: SETD1A (SET domain containing 1A, histone lysine methyltransferase; plus strand). Cytogenetic location: 16p11.2.
Variant type: single nucleotide variant.
Coding change: c.1474A>G on transcript NM_014712.3 (MANE Select); coding-DNA position 1474, A replaced by G.
Protein change: p.Ile492Val; replaces isoleucine 492 with valine.
Molecular consequence: missense variant.
Genome position (GRCh38, 1-based): chr16:30,965,216, A>G. VCF-style: chr16-30965216-A-G. GRCh37 (hg19) VCF-style: chr16-30976537-A-G.
Other names: short protein forms I492V.
Identifiers: ClinVar variation 2646431 (VCV002646431.24), dbSNP rs2543856983, ClinGen allele CA395654716.